The following is an entry in ClinVar:

NM_000092.5(COL4A4):c.4510A>G (p.Asn1504Asp)

Gene: COL4A4 (collagen type IV alpha 4 chain; minus strand). Cytogenetic location: 2q36.3.
Variant type: single nucleotide variant.
Coding change: c.4510A>G on transcript NM_000092.5 (MANE Select); coding-DNA position 4510, A replaced by G.
Protein change: p.Asn1504Asp; replaces asparagine 1504 with aspartic acid.
Molecular consequence: missense variant.
Genome position (GRCh38, 1-based): chr2:227,010,325, T>C on the plus strand (A>G on the coding strand, the complement: COL4A4 is on the minus strand). VCF-style: chr2-227010325-T-C. GRCh37 (hg19) VCF-style: chr2-227875041-T-C.
Other names: short protein forms N1504D.
Identifiers: ClinVar variation 2718554 (VCV002718554.4), dbSNP rs780234545, ClinGen allele CA2144156.

ClinVar aggregate classification (germline): Conflicting classifications of pathogenicity. Review status: criteria provided, conflicting classifications (1 of 4 stars). 2 submissions from 2 submitters: Uncertain significance (1); Likely benign (1). Last evaluated 2024-10-16.

Allele frequency attached by ClinVar (database versions not stated): TOPMed below 0.00001.
gnomAD v4.1: 18 of 1,614,234 alleles (0.0011%); highest among the groups gnomAD compares: Admixed American, 0.028%; no homozygotes.

Submissions (2):

GeneDx
Classification: Uncertain significance. Last evaluated: 2024-10-16. Review status: criteria provided, single submitter. Criteria: GeneDx Variant Classification Process June 2021. Collection method: clinical testing. Allele origin: germline. Affected: yes.
Comment: In silico analysis supports that this missense variant has a deleterious effect on protein structure/function; Has not been previously published as pathogenic or benign to our knowledge

Labcorp Genetics (formerly Invitae), Labcorp
Classification: Likely benign. Last evaluated: 2022-12-23. Review status: criteria provided, single submitter. Criteria: Invitae Variant Classification Sherloc (09022015). Collection method: clinical testing. Allele origin: germline.